The following is an entry in ClinVar:

ClinVar aggregate classification (germline): Pathogenic (1 of 4 stars; one submission).

Conditions:
Hyperphosphatasia with impaired intellectual development syndrome 2. Also called: Hyperphosphatasia with intellectual disability syndrome 2; GLYCOSYLPHOSPHATIDYLINOSITOL BIOSYNTHESIS DEFECT 6. Identifiers: Orphanet 247262, MedGen C3553637, MONDO:0013882, OMIM 614749.

Submission:

Labcorp Genetics (formerly Invitae), Labcorp
Classification: Pathogenic for Hyperphosphatasia with impaired intellectual development syndrome 2. Last evaluated: 2018-10-12. Review status: criteria provided, single submitter. Criteria: Invitae Variant Classification Sherloc (09022015). Collection method: clinical testing. Allele origin: germline.
Comment: Loss-of-function variants in PIGO are known to be pathogenic (PMID: 22683086, 24417746). This sequence change creates a premature translational stop signal (p.Phe146Leufs*13) in the PIGO gene. It is expected to result in an absent or disrupted protein product. This variant is not present in population databases (ExAC no frequency). This variant has not been reported in the literature in individuals with PIGO-related disease. For these reasons, this variant has been classified as Pathogenic.

Literature cited by the submitters: PubMed 22683086; PubMed 24417746.

NM_032634.4(PIGO):c.438del (p.Phe146fs)

Gene: PIGO (phosphatidylinositol glycan anchor biosynthesis class O; minus strand). Cytogenetic location: 9p13.3.
Variant type: Deletion.
Coding change: c.438del on transcript NM_032634.4 (MANE Select); coding-DNA position 438, one base deleted (T; older notation c.438delT).
Protein change: p.Phe146fs; shifts the reading frame from phenylalanine 146.
Molecular consequence: frameshift variant.
Genome position (GRCh38, 1-based): chr9:35,095,128, A deleted on the plus strand (T on the coding strand, the reverse complement: PIGO is on the minus strand); the first of 3 consecutive A bases (chr9:35,095,128-35,095,130); deleting any one gives the same sequence. VCF-style (leftmost placement, unchanged base first): chr9-35095127-TA-T. GRCh37 (hg19) VCF-style: chr9-35095124-TA-T.
Other names: c.438delT (NM_032634.3); c.438del, p.Phe146fs (NM_001201484.2, NM_152850.4); short protein forms F146fs.
Identifiers: ClinVar variation 656785 (VCV000656785.6), dbSNP rs1587176440, ClinGen allele CA915947450.
Genomic context (GRCh38, chr9:35,095,127, plus strand): 5'-GCTGCTTAATGAGATTGTCTTCCACTATGGCGTGGCTGGCGAAGTTACTACCAGCATCAA[TA>T]AAGGTAGGCAGTGAGCCAGTGGTGAGGGCCTTGAGGCGCTGCATGGTGGTGGTAGGAGGG-3'